The following is an entry in ClinVar:

NM_006567.5(FARS2):c.946_950del (p.Leu316fs)

Gene: FARS2 (phenylalanyl-tRNA synthetase 2, mitochondrial; plus strand). Cytogenetic location: 6p25.1.
Variant type: Deletion.
Coding change: c.946_950del on transcript NM_006567.5 (MANE Select); coding-DNA positions 946 to 950, 5 bases deleted (TTAGA; older notation c.946_950delTTAGA).
Protein change: p.Leu316fs; shifts the reading frame from leucine 316.
Molecular consequence: frameshift variant.
Genome position (GRCh38, 1-based): chr6:5,545,221-5,545,225, TTAGA deleted; deleting any 5 consecutive bases within chr6:5,545,219-5,545,225 gives the same sequence; the c. name uses the placement nearest the transcript's 3' end. VCF-style (leftmost placement, unchanged base first): chr6-5545218-GGATTA-G. GRCh37 (hg19) VCF-style: chr6-5545451-GGATTA-G.
Other names: c.946_950del, p.Leu316fs (NM_001318872.2, NM_001374875.1, NM_001374876.1 and 4 more transcripts); c.814_818del, p.Leu272fs (NM_001375258.1); c.250_254del, p.Leu84fs (NM_001375259.1, NM_001375260.1); short protein forms L316fs, L272fs, L84fs.
Identifiers: ClinVar variation 504039 (VCV000504039.10), dbSNP rs1322974029, ClinGen allele CA658796704.
Genomic context (GRCh38, chr6:5,545,218, plus strand): 5'-CTATTTTGTTTCCTAATCACAGCTGGTGCTCAAGACCGAATCGGCTGGGCTTTTGGCCTA[GGATTA>G]GAAAGGCTAGCCATGATCCTCTACGACATCCCTGATATCCGTCTCTTCTGGTGTGAGGAC-3'

ClinVar aggregate classification (germline): Pathogenic/Likely pathogenic. Review status: criteria provided, multiple submitters, no conflicts (2 of 4 stars). 2 submissions from 2 submitters: Pathogenic (1); Likely pathogenic (1). Last evaluated 2025-04-01.

Conditions:
Combined oxidative phosphorylation defect type 14. Also called: Combined oxidative phosphorylation deficiency 14. Identifiers: Orphanet 319519, MedGen C4755312, MONDO:0013986, OMIM 614946.

Submissions (2):

Labcorp Genetics (formerly Invitae), Labcorp
Classification: Pathogenic for Combined oxidative phosphorylation defect type 14. Last evaluated: 2025-04-01. Review status: criteria provided, single submitter. Criteria: Invitae Variant Classification Sherloc (09022015). Collection method: clinical testing. Allele origin: germline.
Comment: This sequence change creates a premature translational stop signal (p.Leu316Lysfs*11) in the FARS2 gene. It is expected to result in an absent or disrupted protein product. Loss-of-function variants in FARS2 are known to be pathogenic (PMID: 22833457). This variant is not present in population databases (gnomAD no frequency). This variant has not been reported in the literature in individuals affected with FARS2-related conditions. ClinVar contains an entry for this variant (Variation ID: 504039). For these reasons, this variant has been classified as Pathogenic.

GeneDx
Classification: Likely pathogenic. Last evaluated: 2018-01-08. Review status: criteria provided, single submitter. Criteria: GeneDx Variant Classification (06012015). Collection method: clinical testing. Allele origin: germline. Affected: yes.
Comment: The c.946_950delTTAGA variant in the FARS2 gene causes a frameshift starting with codon Leucine 316, changes this amino acid to a Lysine residue and creates a premature Stop codon at position 11 of the new reading frame, denoted p.Leu316LysfsX11. This variant is predicted to cause loss of normal protein function either through protein truncation or nonsense-mediated mRNA decay. The c.946_950delTTAGA variant is not observed in large population cohorts (Lek et al., 2016). Although this variant has not been previously reported to our knowledge, it is interpreted to be a likely pathogenic variant.

Literature cited by the submitters: PubMed 22833457 (cited by Labcorp Genetics (formerly Invitae), Labcorp).